The following is an entry in ClinVar:

NM_184085.2(TRIM55):c.1311G>A (p.Ala437=)

Gene: TRIM55 (tripartite motif containing 55; plus strand). Cytogenetic location: 8q13.1.
Variant type: single nucleotide variant.
Coding change: c.1311G>A on transcript NM_184085.2 (MANE Select); coding-DNA position 1311, G replaced by A.
Protein change: p.Ala437=; no amino-acid change (alanine 437 retained).
Molecular consequence: synonymous variant. On other transcripts: intron variant (2).
Genome position (GRCh38, 1-based): chr8:66,154,121, G>A. VCF-style: chr8-66154121-G-A. GRCh37 (hg19) VCF-style: chr8-67066356-G-A.
Other names: c.1311G>A, p.Ala437= (NM_033058.3); c.1236+1494G>A (NM_184086.2); c.603+16931G>A (NM_184087.2).
Identifiers: ClinVar variation 3046069 (VCV003046069.2), dbSNP rs572052118, ClinGen allele CA4765970.
Genomic context (GRCh38, chr8:66,154,121, plus strand): 5'-CACTGGCTCTGAGCAGACCACAGAGTCTGAAACTCCAGTCCCTGCAGCAGCAGAAACTGC[G>A]GATCCCTTGTTTTACCCTAGTTGGTATAAAGGCCAAACCCGGAAAGCCACCACCAACCCA-3'
Protein context (NP_908973.1, residues 427-447): ETPVPAAAET[Ala437=]DPLFYPSWYK

ClinVar aggregate classification (germline): Likely benign (0 of 4 stars; one submission).

Conditions:
TRIM55-related disorder. Also called: TRIM55-related condition.

Allele frequency attached by ClinVar (database versions not stated): ExAC 0.00005.

Submission:

PreventionGenetics, part of Exact Sciences
Classification: Likely benign for TRIM55-related condition. Last evaluated: 2019-10-28. Review status: no assertion criteria provided. Collection method: clinical testing. Allele origin: germline.
Comment: This variant is classified as likely benign based on ACMG/AMP sequence variant interpretation guidelines (Richards et al. 2015 PMID: 25741868, with internal and published modifications).